The following is an entry in ClinVar:

ClinVar aggregate classification (germline): Uncertain significance (1 of 4 stars; one submission).

Allele frequency attached by ClinVar (database versions not stated): gnomAD exomes 0.00001 and 0.00002; ExAC 0.00004; TOPMed 0.00006; ESP Exome Variant Server 0.00008; gnomAD 0.00008 and 0.00011.
gnomAD v4.1: 26 of 1,613,846 alleles (0.0016%); highest among the groups gnomAD compares: African/African-American, 0.032%; no homozygotes.

Submission:

GeneDx
Classification: Uncertain significance. Last evaluated: 2022-05-11. Review status: criteria provided, single submitter. Criteria: GeneDx Variant Classification Process June 2021. Collection method: clinical testing. Allele origin: germline. Affected: yes.
Comment: In silico analysis, which includes protein predictors and evolutionary conservation, supports a deleterious effect; Has not been previously published as pathogenic or benign to our knowledge

NM_015972.4(POLR1D):c.186C>A (p.Asn62Lys)

Genes: POLR1D (RNA polymerase I and III subunit D; plus strand), LOC147380392 (uncharacterized LOC147380392; plus strand). Cytogenetic location: 13q12.2.
Variant type: single nucleotide variant.
Coding change: c.186C>A on transcript NM_015972.4 (MANE Select); coding-DNA position 186, C replaced by A.
Protein change: p.Asn62Lys; replaces asparagine 62 with lysine.
Molecular consequence: missense variant. On other transcripts: intron variant (2).
Genome position (GRCh38, 1-based): chr13:27,623,034, C>A. VCF-style: chr13-27623034-C-A. GRCh37 (hg19) VCF-style: chr13-28197171-C-A.
Other names: c.186C>A, p.Asn62Lys (NM_001374407.1); c.-59+1894C>A (NM_001206559.2); c.26+1025C>A (NM_152705.3); short protein forms N62K.
Identifiers: ClinVar variation 1305575 (VCV001305575.3), dbSNP rs376583398, ClinGen allele CA6927268.